The following is an entry in ClinVar:

NM_000138.5(FBN1):c.1599G>A (p.Glu533=)

Gene: FBN1 (fibrillin 1; minus strand). Cytogenetic location: 15q21.1.
Variant type: single nucleotide variant.
Coding change: c.1599G>A on transcript NM_000138.5 (MANE Select); coding-DNA position 1599, G replaced by A.
Protein change: p.Glu533=; no amino-acid change (glutamic acid 533 retained).
Molecular consequence: synonymous variant.
Genome position (GRCh38, 1-based): chr15:48,510,159, C>T on the plus strand (G>A on the coding strand, the complement: FBN1 is on the minus strand). VCF-style: chr15-48510159-C-T. GRCh37 (hg19) VCF-style: chr15-48802356-C-T.
Other names: c.1599G>A, p.Glu533= (NM_001406716.1).
Identifiers: ClinVar variation 1776064 (VCV001776064.10), dbSNP rs778372635, ClinGen allele CA045251.

ClinVar aggregate classification (germline): Likely benign. Review status: criteria provided, multiple submitters, no conflicts (2 of 4 stars). 4 submissions from 4 submitters: Likely benign (4). Last evaluated 2024-10-17.

Conditions:
Marfan syndrome (MFS). Also called: Marfan's syndrome; Marfan syndrome, classic; MARFAN SYNDROME, TYPE I; Marfan syndrome type 1; FBN1-Related Marfan Syndrome. Identifiers: Orphanet 284963, Orphanet 558, MedGen C0024796, MONDO:0007947, OMIM 154700.
Familial thoracic aortic aneurysm and aortic dissection (TAAD). Also called: Thoracic aortic aneurysms and dissections. Identifiers: Orphanet 91387, MedGen C4707243, MONDO:0019625.

Allele frequency attached by ClinVar (database versions not stated): gnomAD 0.00001; TOPMed 0.00001; gnomAD exomes 0.00002; ExAC 0.00002.
gnomAD v4.1: 24 of 1,613,148 alleles (0.0015%); highest among the groups gnomAD compares: East Asian, 0.0022%; no homozygotes.

Submissions (4):

Labcorp Genetics (formerly Invitae), Labcorp
Classification: Likely benign for Marfan syndrome; Familial thoracic aortic aneurysm and aortic dissection. Last evaluated: 2024-10-17. Review status: criteria provided, single submitter. Criteria: Invitae Variant Classification Sherloc (09022015). Collection method: clinical testing. Allele origin: germline.

All of Us Research Program, National Institutes of Health
Classification: Likely benign for Marfan syndrome. Last evaluated: 2023-11-20. Review status: criteria provided, single submitter. Criteria: ACMG Guidelines, 2015. Collection method: clinical testing. Allele origin: germline. Inheritance: Autosomal dominant inheritance. Observed: 2 variant alleles, 2 heterozygotes.
Comment: This study involves interpretation of variants in research participants for the purpose of population health screening. Participant phenotype was not available at the time of variant classification. Additional details can be found in publication PMID: 35346344, PMCID: PMC8962531

Ambry Genetics
Classification: Likely benign for Familial thoracic aortic aneurysm and aortic dissection. Last evaluated: 2022-08-07. Review status: criteria provided, single submitter. Criteria: Ambry Variant Classification Scheme 2023. Collection method: clinical testing. Allele origin: germline.

Color Diagnostics, LLC DBA Color Health
Classification: Likely benign for Familial thoracic aortic aneurysm and aortic dissection. Last evaluated: 2022-07-11. Review status: criteria provided, single submitter. Criteria: ACMG Guidelines, 2015. Collection method: clinical testing. Allele origin: germline.